The following is an entry in ClinVar:

NM_003036.4(SKI):c.341T>C (p.Val114Ala)

Gene: SKI (SKI proto-oncogene; plus strand). Cytogenetic location: 1p36.33.
Variant type: single nucleotide variant.
Coding change: c.341T>C on transcript NM_003036.4 (MANE Select); coding-DNA position 341, T replaced by C.
Protein change: p.Val114Ala; replaces valine 114 with alanine.
Molecular consequence: missense variant.
Genome position (GRCh38, 1-based): chr1:2,229,107, T>C. VCF-style: chr1-2229107-T-C. GRCh37 (hg19) VCF-style: chr1-2160546-T-C.
Other names: short protein forms V114A.
Identifiers: ClinVar variation 4635535 (VCV004635535.1).

ClinVar aggregate classification (germline): Uncertain significance (1 of 4 stars; one submission).

Conditions:
Familial thoracic aortic aneurysm and aortic dissection (TAAD). Also called: Thoracic aortic aneurysms and dissections. Identifiers: Orphanet 91387, MedGen C4707243, MONDO:0019625.

gnomAD v4.1: 6 of 1,610,068 alleles (0.00037%); highest among the groups gnomAD compares: Non-Finnish European, 0.00042%; no homozygotes.

Submission:

Ambry Genetics
Classification: Uncertain significance for Familial thoracic aortic aneurysm and aortic dissection. Last evaluated: 2025-11-25. Review status: criteria provided, single submitter. Criteria: Ambry Variant Classification Scheme 2023. Collection method: clinical testing. Allele origin: germline.
Comment: The p.V114A variant (also known as c.341T>C), located in coding exon 1 of the SKI gene, results from a T to C substitution at nucleotide position 341. The valine at codon 114 is replaced by alanine, an amino acid with similar properties. This amino acid position is conserved. In addition, the in silico prediction for this alteration is inconclusive. Based on the available evidence, the clinical significance of this variant remains unclear.